The following is an entry in ClinVar:

NM_001371986.1(UNC80):c.8256+2T>G

Gene: UNC80 (unc-80 subunit of NALCN channel complex; plus strand). Cytogenetic location: 2q34.
Variant type: single nucleotide variant.
Coding change: c.8256+2T>G on transcript NM_001371986.1 (MANE Select); the canonical splice donor site of the intron after coding-DNA position 8256, T replaced by G.
Molecular consequence: splice donor variant.
Genome position (GRCh38, 1-based): chr2:209,970,959, T>G. VCF-style: chr2-209970959-T-G. GRCh37 (hg19) VCF-style: chr2-210835683-T-G.
Other names: splice site; c.8058+2T>G (NM_032504.2); c.8043+2T>G (NM_182587.4).
Identifiers: ClinVar variation 684716 (VCV000684716.2), dbSNP rs1575179679, ClinGen allele CA350412801.

ClinVar aggregate classification (germline): Likely pathogenic. Review status: criteria provided, single submitter (1 of 4 stars). 2 submissions from 2 submitters: Likely pathogenic (1). 1 of the submissions does not count toward it. Last evaluated 2018-11-15.

Conditions:
Hypotonia, infantile, with psychomotor retardation and characteristic facies 2 (IHPRF2). Also called: UNC80 Deficiency. Identifiers: Orphanet 371364, Orphanet 700333, MedGen C4225203, MONDO:0014777, OMIM 616801.

Submissions (2):

Broad Center for Mendelian Genomics, Broad Institute of MIT and Harvard
Classification: Likely pathogenic for Hypotonia, infantile, with psychomotor retardation and characteristic facies 2. Last evaluated: 2018-11-15. Review status: criteria provided, single submitter. Criteria: ACMG Guidelines, 2015. Collection method: research. Allele origin: germline. Inheritance: Autosomal recessive inheritance. Affected: yes.
Comment: This variant was absent from large population studies. The c.8058+2T>G variant occurs in the invariant region (+/- 1/2) of the splice consensus sequence and is predicted to cause altered splicing leading to an abnormal or absent protein. Loss of function of the UNC80 gene is an established disease mechanism in autosomal recessive Infantile Hypotonia With Psychomotor Retardation and Characteristic Facies, and this is likely a loss of function variant. In summary, although additional studies are required to fully establish its clinical significance, this variant is likely pathogenic.

Yale Center for Mendelian Genomics, Yale University
Classification: Pathogenic for Hypotonia, infantile, with psychomotor retardation and characteristic facies 2. Last evaluated: 2018-08-23. Review status: no assertion criteria provided. Collection method: literature only. Allele origin: germline. Affected: yes. Observed: 1 homozygote. Not counted in ClinVar's aggregate classification.

Literature cited by the submitters: PubMed 30167850 (cited by Yale Center for Mendelian Genomics, Yale University).